The following is an entry in ClinVar:

NM_017975.5(ZWILCH):c.555A>G (p.Leu185=)

Gene: ZWILCH (zwilch kinetochore protein; plus strand). Cytogenetic location: 15q22.31.
Variant type: single nucleotide variant.
Coding change: c.555A>G on transcript NM_017975.5 (MANE Select); coding-DNA position 555, A replaced by G.
Protein change: p.Leu185=; no amino-acid change (leucine 185 retained).
Molecular consequence: synonymous variant.
Genome position (GRCh38, 1-based): chr15:66,520,624, A>G. VCF-style: chr15-66520624-A-G. GRCh37 (hg19) VCF-style: chr15-66812962-A-G.
Other names: c.213A>G, p.Leu71= (NM_001287821.2, NM_001287822.2, NM_001287823.2).
Identifiers: ClinVar variation 2645475 (VCV002645475.24), dbSNP rs150801863, ClinGen allele CA7625313.
Genomic context (GRCh38, chr15:66,520,624, plus strand): 5'-ACATTTCTTTCTTTCATTTCCTATAGCTGATAAAAATTATTCTGTAAATCTTGAAAACCT[A>G]AAAAATTTACACAAGAAAAGACATCACTTGTCTACTGTAAGTGTTTTGCTTCTACTCATA-3'
Protein context (NP_060445.3, residues 175-195): DKNYSVNLEN[Leu185=]KNLHKKRHHL

ClinVar aggregate classification (germline): Likely benign (1 of 4 stars; one submission).

Allele frequency attached by ClinVar (database versions not stated): ESP Exome Variant Server 0.00015; gnomAD exomes 0.00015; gnomAD 0.00037; TOPMed 0.00041; ExAC 0.00042.
gnomAD v4.1: 286 of 1,552,022 alleles (0.018%); highest among the groups gnomAD compares: Admixed American, 0.047%; no homozygotes.

Submission:

CeGaT Center for Human Genetics Tuebingen
Classification: Likely benign. Last evaluated: 2022-11-01. Review status: criteria provided, single submitter. Criteria: CeGaT Center For Human Genetics Tuebingen Variant Classification Criteria Version 2. Collection method: clinical testing. Allele origin: germline. Affected: yes. Observed: 1 variant allele.
Comment: ZWILCH: BP4, BP7